The following is an entry in ClinVar:

NM_000069.3(CACNA1S):c.3988del (p.Leu1330fs)

Gene: CACNA1S (calcium voltage-gated channel subunit alpha1 S; minus strand). Cytogenetic location: 1q32.1.
Variant type: Deletion.
Coding change: c.3988del on transcript NM_000069.3 (MANE Select); coding-DNA position 3988, one base deleted (C; older notation c.3988delC).
Protein change: p.Leu1330fs; shifts the reading frame from leucine 1330.
Molecular consequence: frameshift variant.
Genome position (GRCh38, 1-based): chr1:201,051,109, G deleted on the plus strand (C on the coding strand, the reverse complement: CACNA1S is on the minus strand). VCF-style (leftmost placement, unchanged base first): chr1-201051108-AG-A. GRCh37 (hg19) VCF-style: chr1-201020236-AG-A.
Other names: short protein forms L1330fs.
Identifiers: ClinVar variation 633665 (VCV000633665.7), dbSNP rs757045433, ClinGen allele CA083022.

ClinVar aggregate classification (germline): Pathogenic. Review status: criteria provided, single submitter (1 of 4 stars). 2 submissions from 2 submitters: Pathogenic (1). 1 of the submissions does not count toward it. Last evaluated 2023-03-30.

Conditions:
Hypokalemic periodic paralysis, type 1. Also called: HypoPP; Hypokalemic Periodic Paralysis Type 1 (AD). Identifiers: Orphanet 681, MedGen C3714580, MONDO:0042979, OMIM 170400.
Malignant hyperthermia, susceptibility to, 5 (MHS5). Also called: CACNA1S-Related Malignant Hyperthermia Susceptibility. Identifiers: Orphanet 423, MedGen C1866077, MONDO:0011163, OMIM 601887.

Allele frequency attached by ClinVar (database versions not stated): gnomAD exomes 0.00001; TOPMed 0.00001; ExAC 0.00002.

Submissions (2):

Labcorp Genetics (formerly Invitae), Labcorp
Classification: Pathogenic for Hypokalemic periodic paralysis, type 1; Malignant hyperthermia, susceptibility to, 5. Last evaluated: 2023-03-30. Review status: criteria provided, single submitter. Criteria: Invitae Variant Classification Sherloc (09022015). Collection method: clinical testing. Allele origin: germline.
Comment: This sequence change creates a premature translational stop signal (p.Leu1330Trpfs*94) in the CACNA1S gene. It is expected to result in an absent or disrupted protein product. Loss-of-function variants in CACNA1S are known to be pathogenic (PMID: 26247046, 28012042). For these reasons, this variant has been classified as Pathogenic. ClinVar contains an entry for this variant (Variation ID: 633665). This variant has not been reported in the literature in individuals affected with CACNA1S-related conditions. This variant is present in population databases (rs757045433, gnomAD 0.009%).

Gharavi Laboratory, Columbia University
Classification: Uncertain significance. Last evaluated: 2018-09-16. Review status: no assertion criteria provided. Criteria: ACMG Guidelines, 2015. Collection method: research. Allele origin: germline. Affected: no. Not counted in ClinVar's aggregate classification.

Literature cited by the submitters: PubMed 26247046 (cited by Labcorp Genetics (formerly Invitae), Labcorp); PubMed 28012042 (cited by Labcorp Genetics (formerly Invitae), Labcorp).